The following is an entry in ClinVar:

ClinVar aggregate classification (germline): Uncertain significance (1 of 4 stars; one submission).

Submission:

GeneDx
Classification: Uncertain significance. Last evaluated: 2023-06-27. Review status: criteria provided, single submitter. Criteria: GeneDx Variant Classification Process June 2021. Collection method: clinical testing. Allele origin: germline. Affected: yes.
Comment: Not observed at significant frequency in large population cohorts (gnomAD); Has not been previously published as pathogenic or benign to our knowledge; In silico analysis suggests this variant may impact gene splicing. In the absence of RNA/functional studies, the actual effect of this sequence change is unknown.

NM_001415.4(EIF2S3):c.1122C>T (p.Ser374=)

Gene: EIF2S3 (eukaryotic translation initiation factor 2 subunit gamma; plus strand). Cytogenetic location: Xp22.11.
Variant type: single nucleotide variant.
Coding change: c.1122C>T on transcript NM_001415.4 (MANE Select); coding-DNA position 1122, C replaced by T.
Protein change: p.Ser374=; no amino-acid change (serine 374 retained).
Molecular consequence: synonymous variant.
Genome position (GRCh38, 1-based): chrX:24,071,667, C>T. VCF-style: chrX-24071667-C-T. GRCh37 (hg19) VCF-style: chrX-24089784-C-T.
Identifiers: ClinVar variation 3360569 (VCV003360569.1).